The following is an entry in ClinVar:

ClinVar aggregate classification (germline): Likely benign. Review status: criteria provided, multiple submitters, no conflicts (2 of 4 stars). 2 submissions from 2 submitters: Likely benign (2). Last evaluated 2026-08-26.

Conditions:
PNPT1-related disorder. Also called: PNPT1-related disorders; PNPT1-related condition.

Allele frequency attached by ClinVar (database versions not stated): TOPMed 0.00001; gnomAD exomes 0.00003; ExAC 0.00004.
gnomAD v4.1: 8 of 1,614,092 alleles (0.0005%); highest among the groups gnomAD compares: Admixed American, 0.013%; no homozygotes.

Submissions (2):

PreventionGenetics, part of Exact Sciences
Classification: Likely benign for PNPT1-related condition. Last evaluated: 2026-08-26. Review status: criteria provided, single submitter. Criteria: ACMG Guidelines, 2015. Collection method: clinical testing. Allele origin: germline.
Comment: This variant is classified as likely benign based on ACMG/AMP sequence variant interpretation guidelines (Richards et al. 2015 PMID: 25741868, with internal and published modifications).

Labcorp Genetics (formerly Invitae), Labcorp
Classification: Likely benign. Last evaluated: 2025-10-27. Review status: criteria provided, single submitter. Criteria: Invitae Variant Classification Sherloc (09022015). Collection method: clinical testing. Allele origin: germline.

NM_033109.5(PNPT1):c.2253G>A (p.Val751=)

Gene: PNPT1 (polyribonucleotide nucleotidyltransferase 1; minus strand). Cytogenetic location: 2p16.1.
Variant type: single nucleotide variant.
Coding change: c.2253G>A on transcript NM_033109.5 (MANE Select); coding-DNA position 2253, G replaced by A.
Protein change: p.Val751=; no amino-acid change (valine 751 retained).
Molecular consequence: synonymous variant.
Genome position (GRCh38, 1-based): chr2:55,636,336, C>T on the plus strand (G>A on the coding strand, the complement: PNPT1 is on the minus strand). VCF-style: chr2-55636336-C-T. GRCh37 (hg19) VCF-style: chr2-55863471-C-T.
Other names: c.2253G>A (NM_033109.4).
Identifiers: ClinVar variation 1632120 (VCV001632120.9), dbSNP rs781141054, ClinGen allele CA1667733.